The following is an entry in ClinVar:

NM_003200.5(TCF3):c.1877T>G (p.Val626Gly)

Gene: TCF3 (transcription factor 3; minus strand). Cytogenetic location: 19p13.3.
Variant type: single nucleotide variant.
Coding change: c.1877T>G on transcript NM_003200.5 (MANE Select); coding-DNA position 1877, T replaced by G.
Protein change: p.Val626Gly; replaces valine 626 with glycine.
Molecular consequence: missense variant.
Genome position (GRCh38, 1-based): chr19:1,611,795, A>C on the plus strand (T>G on the coding strand, the complement: TCF3 is on the minus strand). VCF-style: chr19-1611795-A-C. GRCh37 (hg19) VCF-style: chr19-1611794-A-C.
Other names: c.1868T>G, p.Val623Gly (NM_001136139.4, NM_001351779.2); c.1874T>G, p.Val625Gly (NM_001351778.2); short protein forms V625G, V623G, V626G.
Identifiers: ClinVar variation 4740869 (VCV004740869.1).
Genomic context (GRCh38, chr19:1,611,795, plus strand): 5'-TCGCTCAGGCCTGGGTGGGGAGCTGAAAGCACCATCTGGGGGTCTCCAACCACACCTGAC[A>C]CCTTTTCCTCTTCTCGCCGTTTCAAACAGGCTGCTTTGGGATTCAGGTTCCGCTCTGGAG-3'
Protein context (NP_003191.1, residues 616-636): ACLKRREEEK[Val626Gly]SGVVGDPQMV

ClinVar aggregate classification (germline): Uncertain significance (1 of 4 stars; one submission).

gnomAD v4.1: 1 of 1,613,294 alleles (0.000062%); no homozygotes.

Submission:

Labcorp Genetics (formerly Invitae), Labcorp
Classification: Uncertain significance. Last evaluated: 2025-12-01. Review status: criteria provided, single submitter. Criteria: Invitae Variant Classification Sherloc (09022015). Collection method: clinical testing. Allele origin: germline.
Comment: This sequence change replaces valine, which is neutral and non-polar, with glycine, which is neutral and non-polar, at codon 626 of the TCF3 protein (p.Val626Gly). This variant is not present in population databases (gnomAD no frequency). This variant has not been reported in the literature in individuals affected with TCF3-related conditions. Invitae Evidence Modeling of protein sequence and biophysical properties (such as structural, functional, and spatial information, amino acid conservation, physicochemical variation, residue mobility, and thermodynamic stability) indicates that this missense variant is not expected to disrupt TCF3 protein function with a negative predictive value of 80%. In summary, the available evidence is currently insufficient to determine the role of this variant in disease. Therefore, it has been classified as a Variant of Uncertain Significance.